The following is an entry in ClinVar:

ClinVar aggregate classification (germline): Likely benign (1 of 4 stars; one submission).

Submission:

GeneDx
Classification: Likely benign. Last evaluated: 2017-03-29. Review status: criteria provided, single submitter. Criteria: GeneDx Variant Classification (06012015). Collection method: clinical testing. Allele origin: germline. Affected: yes.
Comment: This variant is considered likely benign or benign based on one or more of the following criteria: it is a conservative change, it occurs at a poorly conserved position in the protein, it is predicted to be benign by multiple in silico algorithms, and/or has population frequency not consistent with disease.

NM_006516.4(SLC2A1):c.1095C>G (p.Ser365=)

Gene: SLC2A1 (solute carrier family 2 member 1; minus strand). Cytogenetic location: 1p34.2.
Variant type: single nucleotide variant.
Coding change: c.1095C>G on transcript NM_006516.4 (MANE Select); coding-DNA position 1095, C replaced by G.
Protein change: p.Ser365=; no amino-acid change (serine 365 retained).
Molecular consequence: synonymous variant.
Genome position (GRCh38, 1-based): chr1:42,927,788, G>C on the plus strand (C>G on the coding strand, the complement: SLC2A1 is on the minus strand). VCF-style: chr1-42927788-G-C. GRCh37 (hg19) VCF-style: chr1-43393459-G-C.
Identifiers: ClinVar variation 508424 (VCV000508424.1), dbSNP rs1553155896, ClinGen allele CA417407573.
Genomic context (GRCh38, chr1:42,927,788, plus strand): 5'-GGGGCCAGGACCCACTTCAAAGAAGGCCACAAAGCCAAAGATGGCCACGATGCTCAGATA[G>C]GACATCCAGGGTAGCTGCTCCTGTTGAGGATGACGGAGAGGGGGAAAAGTTAGACTGGGT-3'
Protein context (NP_006507.2, residues 355-375): LALLEQLPWM[Ser365=]YLSIVAIFGF